The following is an entry in ClinVar:

NM_001367624.2(ZNF469):c.29C>T (p.Pro10Leu)

Gene: ZNF469 (zinc finger protein 469; plus strand). Cytogenetic location: 16q24.2.
Variant type: single nucleotide variant.
Coding change: c.29C>T on transcript NM_001367624.2 (MANE Select); coding-DNA position 29, C replaced by T.
Protein change: p.Pro10Leu; replaces proline 10 with leucine.
Molecular consequence: missense variant.
Genome position (GRCh38, 1-based): chr16:88,427,499, C>T. VCF-style: chr16-88427499-C-T. GRCh37 (hg19) VCF-style: chr16-88493907-C-T.
Other names: p.Pro10Leu; short protein forms P10L.
Identifiers: ClinVar variation 4542049 (VCV004542049.1).

ClinVar aggregate classification (germline): Uncertain significance (1 of 4 stars; one submission).

gnomAD v4.1: 24 of 1,528,888 alleles (0.0016%); highest among the groups gnomAD compares: Admixed American, 0.002%; no homozygotes.

Submission:

Mayo Clinic Laboratories, Mayo Clinic
Classification: Uncertain significance. Last evaluated: 2025-08-14. Review status: criteria provided, single submitter. Criteria: ACMG Guidelines, 2015. Collection method: clinical testing. Allele origin: germline. Observed: 1 variant allele.
Comment: BP4_moderate